The following is an entry in ClinVar:

NM_005051.3(QARS1):c.1612C>T (p.Arg538Trp)

Gene: QARS1 (glutaminyl-tRNA synthetase 1; minus strand). Cytogenetic location: 3p21.31.
Variant type: single nucleotide variant.
Coding change: c.1612C>T on transcript NM_005051.3 (MANE Select); coding-DNA position 1612, C replaced by T.
Protein change: p.Arg538Trp; replaces arginine 538 with tryptophan.
Molecular consequence: missense variant. On other transcripts: non-coding transcript variant (1).
Genome position (GRCh38, 1-based): chr3:49,099,346, G>A on the plus strand (C>T on the coding strand, the complement: QARS1 is on the minus strand). VCF-style: chr3-49099346-G-A. GRCh37 (hg19) VCF-style: chr3-49136779-G-A.
Other names: c.1579C>T, p.Arg527Trp (NM_001272073.2); c.1612C>T (NM_005051.2); short protein forms R538W, R527W.
Identifiers: ClinVar variation 586391 (VCV000586391.8), dbSNP rs201176263, ClinGen allele CA2391695.

ClinVar aggregate classification (germline): Uncertain significance. Review status: criteria provided, multiple submitters, no conflicts (2 of 4 stars). 5 submissions from 5 submitters: Uncertain significance (5). Last evaluated 2025-06-12.

Conditions:
Inborn genetic diseases. Identifiers: MedGen C0950123, MeSH D030342.
Diffuse cerebral and cerebellar atrophy - intractable seizures - progressive microcephaly syndrome. Also called: Microcephaly, progressive, with seizures and cerebral and cerebellar atrophy. Identifiers: Orphanet 404437, MedGen C4014239, MONDO:0014335, OMIM 615760.

Allele frequency attached by ClinVar (database versions not stated): ExAC 0.00002; gnomAD exomes 0.00002; TOPMed 0.00006; gnomAD 0.00007 and 0.00008; ESP Exome Variant Server 0.00023.

Submissions (5):

GeneDx
Classification: Uncertain significance. Last evaluated: 2025-06-12. Review status: criteria provided, single submitter. Criteria: GeneDx Variant Classification Process June 2021. Collection method: clinical testing. Allele origin: germline. Affected: yes.
Comment: Not observed at significant frequency in large population cohorts (gnomAD); In silico analysis supports that this missense variant has a deleterious effect on protein structure/function; Has not been previously published as pathogenic or benign to our knowledge; This variant is associated with the following publications: (PMID: 25471517)

Labcorp Genetics (formerly Invitae), Labcorp
Classification: Uncertain significance for Diffuse cerebral and cerebellar atrophy - intractable seizures - progressive microcephaly syndrome. Last evaluated: 2025-03-03. Review status: criteria provided, single submitter. Criteria: Invitae Variant Classification Sherloc (09022015). Collection method: clinical testing. Allele origin: germline.
Comment: This sequence change replaces arginine, which is basic and polar, with tryptophan, which is neutral and slightly polar, at codon 538 of the QARS protein (p.Arg538Trp). This variant is present in population databases (rs201176263, gnomAD 0.02%). This variant has not been reported in the literature in individuals affected with QARS-related conditions. ClinVar contains an entry for this variant (Variation ID: 586391). An algorithm developed to predict the effect of missense changes on protein structure and function (PolyPhen-2) suggests that this variant is likely to be disruptive. In summary, the available evidence is currently insufficient to determine the role of this variant in disease. Therefore, it has been classified as a Variant of Uncertain Significance.

Ambry Genetics
Classification: Uncertain significance for Inborn genetic diseases. Last evaluated: 2024-05-28. Review status: criteria provided, single submitter. Criteria: Ambry Variant Classification Scheme 2023. Collection method: clinical testing. Allele origin: germline.

Blueprint Genetics
Classification: Uncertain significance. Last evaluated: 2023-10-06. Review status: criteria provided, single submitter. Criteria: ACMG Guidelines, 2015. Collection method: clinical testing. Allele origin: germline.

Athena Diagnostics
Classification: Uncertain significance. Last evaluated: 2018-08-20. Review status: criteria provided, single submitter. Criteria: Athena Diagnostics Criteria. Collection method: clinical testing. Allele origin: germline.